The following is an entry in ClinVar:

NM_033116.6(NEK9):c.908T>C (p.Leu303Pro)

Gene: NEK9 (NIMA related kinase 9; minus strand). Cytogenetic location: 14q24.3.
Variant type: single nucleotide variant.
Coding change: c.908T>C on transcript NM_033116.6 (MANE Select); coding-DNA position 908, T replaced by C.
Protein change: p.Leu303Pro; replaces leucine 303 with proline.
Molecular consequence: missense variant.
Genome position (GRCh38, 1-based): chr14:75,113,369, A>G on the plus strand (T>C on the coding strand, the complement: NEK9 is on the minus strand). VCF-style: chr14-75113369-A-G. GRCh37 (hg19) VCF-style: chr14-75580072-A-G.
Other names: c.908T>C, p.Leu303Pro (NM_001329237.2); c.554T>C, p.Leu185Pro (NM_001329238.2); short protein forms L303P, L185P.
Identifiers: ClinVar variation 373374 (VCV000373374.1), dbSNP rs1057518379, ClinGen allele CA16042938.
Genomic context (GRCh38, chr14:75,113,369, plus strand): 5'-AGACAATGGAGTGACTTCTTCATAATTTACCTCCTGCGTTTCCTGAGAAGAGGGCGATCT[A>G]GAAGTTCATCTGCAGTAGGTCTCTGCTCAGGATCCTAAAAAGTAAAAATAGGGTTAGTTT-3'
Protein context (NP_149107.4, residues 293-313): PEQRPTADEL[Leu303Pro]DRPLLRKRRR

ClinVar aggregate classification (germline): Likely pathogenic (1 of 4 stars; one submission).

Allele frequency attached by ClinVar (database versions not stated): gnomAD exomes below 0.00001; TOPMed below 0.00001.
gnomAD v4.1: 1 of 1,613,920 alleles (0.000062%); highest among the groups gnomAD compares: Non-Finnish European, 0.000085%; no homozygotes.

Submission:

GeneDx
Classification: Likely pathogenic. Last evaluated: 2016-11-22. Review status: criteria provided, single submitter. Criteria: GeneDx Variant Classification (06012015). Collection method: clinical testing. Allele origin: germline. Affected: yes.
Comment: The L303P variant in the NEK9 gene has not been reported previously as a pathogenic variant, nor as a benign variant, to our knowledge. The L303P variant was not observed in approximately 6500 individuals of European and African American ancestry in the NHLBI Exome Sequencing Project, indicating it is not a common benign variant in these populations. The L303P variant is a semi-conservative amino acid substitution, which may impact secondary protein structure as these residues differ in some properties. This substitution occurs at a position that is conserved across species. In silico analysis predicts this variant is probably damaging to the protein structure/function. We interpret L303P as a likely pathogenic variant.